The following is an entry in ClinVar:

NM_024675.4(PALB2):c.1910C>T (p.Pro637Leu)

Gene: PALB2 (partner and localizer of BRCA2; minus strand). Cytogenetic location: 16p12.2.
Variant type: single nucleotide variant.
Coding change: c.1910C>T on transcript NM_024675.4 (MANE Select); coding-DNA position 1910, C replaced by T.
Protein change: p.Pro637Leu; replaces proline 637 with leucine.
Molecular consequence: missense variant.
Genome position (GRCh38, 1-based): chr16:23,630,244, G>A on the plus strand (C>T on the coding strand, the complement: PALB2 is on the minus strand). VCF-style: chr16-23630244-G-A. GRCh37 (hg19) VCF-style: chr16-23641565-G-A.
Other names: short protein forms P637L.
Identifiers: ClinVar variation 241535 (VCV000241535.15), dbSNP rs878855104, ClinGen allele CA10583368.

ClinVar aggregate classification (germline): Uncertain significance. Review status: criteria provided, multiple submitters, no conflicts (2 of 4 stars). 4 submissions from 4 submitters: Uncertain significance (4). Last evaluated 2025-08-14.

Conditions:
Hereditary cancer-predisposing syndrome. Also called: Tumor predisposition; Neoplastic Syndromes, Hereditary; Hereditary Cancer Syndrome; Hereditary neoplastic syndrome. Identifiers: Orphanet 140162, MedGen C0027672, MeSH D009386, MONDO:0015356.
Familial cancer of breast. Also called: Hereditary breast cancer; BREAST CANCER, FAMILIAL; hereditary breast carcinoma. Identifiers: Orphanet 227535, MedGen C0346153, MONDO:0016419, OMIM 114480. Disease mechanism: loss of function.

Submissions (4):

Ambry Genetics
Classification: Uncertain significance for Hereditary cancer-predisposing syndrome. Last evaluated: 2025-08-14. Review status: criteria provided, single submitter. Criteria: Ambry Variant Classification Scheme 2023. Collection method: clinical testing. Allele origin: germline.
Comment: The p.P637L variant (also known as c.1910C>T), located in coding exon 5 of the PALB2 gene, results from a C to T substitution at nucleotide position 1910. The proline at codon 637 is replaced by leucine, an amino acid with similar properties. This amino acid position is not well conserved in available vertebrate species. In addition, this alteration is predicted to be tolerated by in silico analysis. Since supporting evidence is limited at this time, the clinical significance of this alteration remains unclear.

Labcorp Genetics (formerly Invitae), Labcorp
Classification: Uncertain significance for Familial cancer of breast. Last evaluated: 2023-11-03. Review status: criteria provided, single submitter. Criteria: Invitae Variant Classification Sherloc (09022015). Collection method: clinical testing. Allele origin: germline.
Comment: This sequence change replaces proline, which is neutral and non-polar, with leucine, which is neutral and non-polar, at codon 637 of the PALB2 protein (p.Pro637Leu). This variant is not present in population databases (gnomAD no frequency). This variant has not been reported in the literature in individuals affected with PALB2-related conditions. ClinVar contains an entry for this variant (Variation ID: 241535). Advanced modeling of protein sequence and biophysical properties (such as structural, functional, and spatial information, amino acid conservation, physicochemical variation, residue mobility, and thermodynamic stability) performed at Invitae indicates that this missense variant is not expected to disrupt PALB2 protein function with a negative predictive value of 80%. In summary, the available evidence is currently insufficient to determine the role of this variant in disease. Therefore, it has been classified as a Variant of Uncertain Significance.

GeneDx
Classification: Uncertain significance. Last evaluated: 2023-02-24. Review status: criteria provided, single submitter. Criteria: GeneDx Variant Classification Process June 2021. Collection method: clinical testing. Allele origin: germline. Affected: yes.
Comment: Not observed at significant frequency in large population cohorts (gnomAD); In silico analysis supports that this missense variant has a deleterious effect on protein structure/function; Has not been previously published as pathogenic or benign to our knowledge; This variant is associated with the following publications: (PMID: 22941656)

Color Diagnostics, LLC DBA Color Health
Classification: Uncertain significance for Hereditary cancer-predisposing syndrome. Last evaluated: 2021-06-29. Review status: criteria provided, single submitter. Criteria: ACMG Guidelines, 2015. Collection method: clinical testing. Allele origin: germline.
Comment: This missense variant replaces proline with leucine at codon 637 of the PALB2 protein. Computational prediction suggests that this variant may not impact protein structure and function (internally defined REVEL score threshold <= 0.5, PMID: 27666373). To our knowledge, functional studies have not been reported for this variant. This variant has not been reported in individuals affected with hereditary cancer in the literature. This variant has not been identified in the general population by the Genome Aggregation Database (gnomAD). The available evidence is insufficient to determine the role of this variant in disease conclusively. Therefore, this variant is classified as a Variant of Uncertain Significance.